The following is an entry in ClinVar:

NM_018993.4(RIN2):c.110G>A (p.Arg37Gln)

Gene: RIN2 (Ras and Rab interactor 2; plus strand). Cytogenetic location: 20p11.23.
Variant type: single nucleotide variant.
Coding change: c.110G>A on transcript NM_018993.4 (MANE Select); coding-DNA position 110, G replaced by A.
Protein change: p.Arg37Gln; replaces arginine 37 with glutamine.
Molecular consequence: missense variant. On other transcripts: 5 prime UTR variant (1).
Genome position (GRCh38, 1-based): chr20:19,935,151, G>A. VCF-style: chr20-19935151-G-A. GRCh37 (hg19) VCF-style: chr20-19915795-G-A.
Other names: c.257G>A, p.Arg86Gln (NM_001242581.2); c.-436G>A (NM_001378238.1); short protein forms R37Q, R86Q.
Identifiers: ClinVar variation 2068463 (VCV002068463.2), dbSNP rs368353769, ClinGen allele CA9779723.

ClinVar aggregate classification (germline): Uncertain significance (1 of 4 stars; one submission).

Allele frequency attached by ClinVar (database versions not stated): gnomAD 0.00003; TOPMed 0.00003; gnomAD exomes 0.00005; ExAC 0.00007; ESP Exome Variant Server 0.00008.
gnomAD v4.1: 83 of 1,604,648 alleles (0.0052%); highest among the groups gnomAD compares: Middle Eastern, 0.049%; no homozygotes.

Submission:

Labcorp Genetics (formerly Invitae), Labcorp
Classification: Uncertain significance. Last evaluated: 2023-11-15. Review status: criteria provided, single submitter. Criteria: Invitae Variant Classification Sherloc (09022015). Collection method: clinical testing. Allele origin: germline.
Comment: This sequence change replaces arginine, which is basic and polar, with glutamine, which is neutral and polar, at codon 37 of the RIN2 protein (p.Arg37Gln). The frequency data for this variant in the population databases is considered unreliable, as metrics indicate poor data quality at this position in the gnomAD database. This variant has not been reported in the literature in individuals affected with RIN2-related conditions. ClinVar contains an entry for this variant (Variation ID: 2068463). Algorithms developed to predict the effect of missense changes on protein structure and function output the following: SIFT: "Not Available"; PolyPhen-2: "Not Available"; Align-GVGD: "Not Available". The glutamine amino acid residue is found in multiple mammalian species, which suggests that this missense change does not adversely affect protein function. In summary, the available evidence is currently insufficient to determine the role of this variant in disease. Therefore, it has been classified as a Variant of Uncertain Significance.